The following is an entry in ClinVar:

ClinVar aggregate classification (germline): Uncertain significance. Review status: criteria provided, multiple submitters, no conflicts (2 of 4 stars). 3 submissions from 3 submitters: Uncertain significance (3). Last evaluated 2025-06-15.

Conditions:
Hereditary cancer-predisposing syndrome. Also called: Hereditary Cancer Syndrome; Tumor predisposition; Neoplastic Syndromes, Hereditary; Hereditary neoplastic syndrome. Identifiers: Orphanet 140162, MedGen C0027672, MeSH D009386, MONDO:0015356.
Basal cell carcinoma, susceptibility to, 1. Also called: BCC1. Identifiers: MedGen C2751544, MONDO:0011556, OMIM 605462.
Gorlin syndrome. Also called: Nevoid Basal Cell Carcinoma Syndrome; Basal cell nevus syndrome. Identifiers: Orphanet 377, MedGen C0004779, MONDO:0007187.

Submissions (3):

Labcorp Genetics (formerly Invitae), Labcorp
Classification: Uncertain significance for Gorlin syndrome. Last evaluated: 2025-06-15. Review status: criteria provided, single submitter. Criteria: Invitae Variant Classification Sherloc (09022015). Collection method: clinical testing. Allele origin: germline.
Comment: This sequence change replaces isoleucine, which is neutral and non-polar, with leucine, which is neutral and non-polar, at codon 595 of the PTCH1 protein (p.Ile595Leu). This variant is not present in population databases (gnomAD no frequency). This variant has not been reported in the literature in individuals affected with PTCH1-related conditions. ClinVar contains an entry for this variant (Variation ID: 3230955). Invitae Evidence Modeling of protein sequence and biophysical properties (such as structural, functional, and spatial information, amino acid conservation, physicochemical variation, residue mobility, and thermodynamic stability) indicates that this missense variant is not expected to disrupt PTCH1 protein function with a negative predictive value of 95%. In summary, the available evidence is currently insufficient to determine the role of this variant in disease. Therefore, it has been classified as a Variant of Uncertain Significance.

Baylor Genetics
Classification: Uncertain significance for Basal cell carcinoma, susceptibility to, 1. Last evaluated: 2023-12-18. Review status: criteria provided, single submitter. Criteria: ACMG Guidelines, 2015. Collection method: clinical testing. Allele origin: unknown.

Ambry Genetics
Classification: Uncertain significance for Hereditary cancer-predisposing syndrome. Last evaluated: 2023-12-08. Review status: criteria provided, single submitter. Criteria: Ambry Variant Classification Scheme 2023. Collection method: clinical testing. Allele origin: germline.
Comment: The p.I595L variant (also known as c.1783A>C), located in coding exon 13 of the PTCH1 gene, results from an A to C substitution at nucleotide position 1783. The isoleucine at codon 595 is replaced by leucine, an amino acid with highly similar properties. This amino acid position is conserved. In addition, this alteration is predicted to be deleterious by in silico analysis. Since supporting evidence is limited at this time, the clinical significance of this alteration remains unclear.

NM_000264.5(PTCH1):c.1783A>C (p.Ile595Leu)

Genes: PTCH1 (patched 1; minus strand), LOC100507346 (uncharacterized LOC100507346; plus strand). Cytogenetic location: 9q22.32.
Variant type: single nucleotide variant.
Coding change: c.1783A>C on transcript NM_000264.5 (MANE Select); coding-DNA position 1783, A replaced by C.
Protein change: p.Ile595Leu; replaces isoleucine 595 with leucine.
Molecular consequence: missense variant. On other transcripts: non-coding transcript variant (2).
Genome position (GRCh38, 1-based): chr9:95,469,877, T>G on the plus strand (A>C on the coding strand, the complement: PTCH1 is on the minus strand). VCF-style: chr9-95469877-T-G. GRCh37 (hg19) VCF-style: chr9-98232159-T-G.
Other names: c.1585A>C, p.Ile529Leu (NM_001083602.3); c.1780A>C, p.Ile594Leu (NM_001083603.3); c.1330A>C, p.Ile444Leu (NM_001083604.3, NM_001083605.3, NM_001083606.3 and 1 more transcripts); c.1627A>C, p.Ile543Leu (NM_001354918.2); short protein forms I444L, I529L, I543L, I594L, I595L.
Identifiers: ClinVar variation 3230955 (VCV003230955.3), dbSNP rs2118093632, ClinGen allele CA374116362.